The following is an entry in ClinVar:

NC_000009.11:g.(?_140051101)_(140061979_?)dup

Gene: GRIN1 (glutamate ionotropic receptor NMDA type subunit 1; plus strand). Cytogenetic location: 9q34.3.
Variant type: Duplication.
Identifiers: ClinVar variation 1411698 (VCV001411698.6).

ClinVar aggregate classification (germline): Uncertain significance (1 of 4 stars; one submission).

Conditions:
Neurodevelopmental disorder with or without hyperkinetic movements and seizures, autosomal dominant. Also called: Intellectual disability, autosomal dominant 8. Identifiers: MedGen C3280282, MONDO:0013655, OMIM 614254.

Submission:

Labcorp Genetics (formerly Invitae), Labcorp
Classification: Uncertain significance for Neurodevelopmental disorder with or without hyperkinetic movements and seizures, autosomal dominant. Last evaluated: 2023-07-17. Review status: criteria provided, single submitter. Criteria: Invitae Variant Classification Sherloc (09022015). Collection method: clinical testing. Allele origin: germline.
Comment: This variant results in a copy number gain of the genomic region encompassing exon(s) 5-20 of the GRIN1 gene. This region includes the termination codon of the gene. This copy number gain extends beyond the assayed region for this gene and therefore may encompass additional genes. As the precise location of this event is unknown, it may be in tandem or it may be located elsewhere in the genome. This variant has not been reported in the literature in individuals affected with GRIN1-related conditions. Experimental studies and prediction algorithms are not available or were not evaluated, and the functional significance of this variant is currently unknown. In summary, the available evidence is currently insufficient to determine the role of this variant in disease. Therefore, it has been classified as a Variant of Uncertain Significance.